The following is an entry in ClinVar:

NM_004329.3(BMPR1A):c.1310T>C (p.Ile437Thr)

Gene: BMPR1A (bone morphogenetic protein receptor type 1A; plus strand). Cytogenetic location: 10q23.2.
Variant type: single nucleotide variant.
Coding change: c.1310T>C on transcript NM_004329.3 (MANE Select); coding-DNA position 1310, T replaced by C.
Protein change: p.Ile437Thr; replaces isoleucine 437 with threonine.
Molecular consequence: missense variant.
Genome position (GRCh38, 1-based): chr10:86,921,663, T>C. VCF-style: chr10-86921663-T-C. GRCh37 (hg19) VCF-style: chr10-88681420-T-C.
Other names: short protein forms I437T.
Identifiers: ClinVar variation 1396333 (VCV001396333.7), dbSNP rs2133608360, ClinGen allele CA377462359.

ClinVar aggregate classification (germline): Uncertain significance (1 of 4 stars; one submission).

Conditions:
Juvenile polyposis syndrome (JPS). Identifiers: Orphanet 2929, MedGen C0345893, MONDO:0017380, OMIM 174900.

Submission:

Labcorp Genetics (formerly Invitae), Labcorp
Classification: Uncertain significance for Juvenile polyposis syndrome. Last evaluated: 2021-08-16. Review status: criteria provided, single submitter. Criteria: Invitae Variant Classification Sherloc (09022015). Collection method: clinical testing. Allele origin: germline.
Comment: In summary, the available evidence is currently insufficient to determine the role of this variant in disease. Therefore, it has been classified as a Variant of Uncertain Significance. Advanced modeling of protein sequence and biophysical properties (such as structural, functional, and spatial information, amino acid conservation, physicochemical variation, residue mobility, and thermodynamic stability) performed at Invitae indicates that this missense variant is not expected to disrupt BMPR1A protein function. This variant has not been reported in the literature in individuals affected with BMPR1A-related conditions. This variant is not present in population databases (ExAC no frequency). This sequence change replaces isoleucine with threonine at codon 437 of the BMPR1A protein (p.Ile437Thr). The isoleucine residue is moderately conserved and there is a moderate physicochemical difference between isoleucine and threonine.